The following is an entry in ClinVar:

ClinVar aggregate classification (germline): Uncertain significance (1 of 4 stars; one submission).

Conditions:
Leber congenital amaurosis 7 (LCA7). Identifiers: Orphanet 65, MedGen C3151192, MONDO:0013449, OMIM 613829.
Cone-rod dystrophy 2 (CORD2). Also called: CONE-ROD RETINAL DYSTROPHY; Cone-rod retinal dystrophy 2. Identifiers: Orphanet 1872, MedGen C3489532, MONDO:0007362, OMIM 120970.

Submission:

Labcorp Genetics (formerly Invitae), Labcorp
Classification: Uncertain significance for Cone-rod dystrophy 2; Leber congenital amaurosis 7. Last evaluated: 2024-10-29. Review status: criteria provided, single submitter. Criteria: Invitae Variant Classification Sherloc (09022015). Collection method: clinical testing. Allele origin: germline.
Comment: This sequence change replaces alanine, which is neutral and non-polar, with proline, which is neutral and non-polar, at codon 92 of the CRX protein (p.Ala92Pro). This variant is not present in population databases (gnomAD no frequency). This variant has not been reported in the literature in individuals affected with CRX-related conditions. ClinVar contains an entry for this variant (Variation ID: 1392198). Invitae Evidence Modeling of protein sequence and biophysical properties (such as structural, functional, and spatial information, amino acid conservation, physicochemical variation, residue mobility, and thermodynamic stability) indicates that this missense variant is expected to disrupt CRX protein function with a positive predictive value of 95%. In summary, the available evidence is currently insufficient to determine the role of this variant in disease. Therefore, it has been classified as a Variant of Uncertain Significance.

NM_000554.6(CRX):c.274G>C (p.Ala92Pro)

Gene: CRX (cone-rod homeobox; plus strand). Cytogenetic location: 19q13.33.
Variant type: single nucleotide variant.
Coding change: c.274G>C on transcript NM_000554.6 (MANE Select); coding-DNA position 274, G replaced by C.
Protein change: p.Ala92Pro; replaces alanine 92 with proline.
Molecular consequence: missense variant.
Genome position (GRCh38, 1-based): chr19:47,839,341, G>C. VCF-style: chr19-47839341-G-C. GRCh37 (hg19) VCF-style: chr19-48342598-G-C.
Other names: short protein forms A92P.
Identifiers: ClinVar variation 1392198 (VCV001392198.6), dbSNP rs786205521, ClinGen allele CA406630298.